The following is an entry in ClinVar:

NM_017849.4(TMEM127):c.200G>T (p.Gly67Val)

Gene: TMEM127 (transmembrane protein 127; minus strand). Cytogenetic location: 2q11.2.
Variant type: single nucleotide variant.
Coding change: c.200G>T on transcript NM_017849.4 (MANE Select); coding-DNA position 200, G replaced by T.
Protein change: p.Gly67Val; replaces glycine 67 with valine.
Molecular consequence: missense variant.
Genome position (GRCh38, 1-based): chr2:96,265,182, C>A on the plus strand (G>T on the coding strand, the complement: TMEM127 is on the minus strand). VCF-style: chr2-96265182-C-A. GRCh37 (hg19) VCF-style: chr2-96930920-C-A.
Other names: c.200G>T, p.Gly67Val (NM_001193304.3); short protein forms G67V.
Identifiers: ClinVar variation 820506 (VCV000820506.12), dbSNP rs1573977675, ClinGen allele CA347655909.

ClinVar aggregate classification (germline): Uncertain significance. Review status: criteria provided, multiple submitters, no conflicts (2 of 4 stars). 2 submissions from 2 submitters: Uncertain significance (2). Last evaluated 2025-10-01.

Conditions:
Hereditary cancer-predisposing syndrome. Also called: Hereditary Cancer Syndrome; Tumor predisposition; Neoplastic Syndromes, Hereditary; Hereditary neoplastic syndrome. Identifiers: Orphanet 140162, MedGen C0027672, MeSH D009386, MONDO:0015356.
Hereditary pheochromocytoma and paraganglioma. Also called: Hereditary pheochromocytoma-paraganglioma; Hereditary paragangliomas and pheochromocytomas; Hereditary Paraganglioma-Pheochromocytoma Syndromes. Identifiers: Orphanet 29072, MedGen C4274332, MONDO:0017366.

Submissions (2):

Labcorp Genetics (formerly Invitae), Labcorp
Classification: Uncertain significance for Hereditary pheochromocytoma and paraganglioma. Last evaluated: 2025-10-01. Review status: criteria provided, single submitter. Criteria: Invitae Variant Classification Sherloc (09022015). Collection method: clinical testing. Allele origin: germline.
Comment: This sequence change replaces glycine, which is neutral and non-polar, with valine, which is neutral and non-polar, at codon 67 of the TMEM127 protein (p.Gly67Val). This variant is not present in population databases (gnomAD no frequency). This variant has not been reported in the literature in individuals affected with TMEM127-related conditions. ClinVar contains an entry for this variant (Variation ID: 820506). An algorithm developed to predict the effect of missense changes on protein structure and function (PolyPhen-2) suggests that this variant is likely to be disruptive. In summary, the available evidence is currently insufficient to determine the role of this variant in disease. Therefore, it has been classified as a Variant of Uncertain Significance.

Ambry Genetics
Classification: Uncertain significance for Hereditary cancer-predisposing syndrome. Last evaluated: 2024-11-16. Review status: criteria provided, single submitter. Criteria: Ambry Variant Classification Scheme 2023. Collection method: clinical testing. Allele origin: germline.
Comment: The p.G67V variant (also known as c.200G>T), located in coding exon 1 of the TMEM127 gene, results from a G to T substitution at nucleotide position 200. The glycine at codon 67 is replaced by valine, an amino acid with dissimilar properties. This amino acid position is highly conserved in available vertebrate species. In addition, this alteration is predicted to be deleterious by in silico analysis. Since supporting evidence is limited at this time, the clinical significance of this alteration remains unclear.